The following is an entry in ClinVar:

ClinVar aggregate classification (germline): Uncertain significance (1 of 4 stars; one submission).

gnomAD v4.1: 41 of 1,613,958 alleles (0.0025%); highest among the groups gnomAD compares: African/African-American, 0.025%; no homozygotes.

Submission:

Labcorp Genetics (formerly Invitae), Labcorp
Classification: Uncertain significance. Last evaluated: 2024-09-28. Review status: criteria provided, single submitter. Criteria: Invitae Variant Classification Sherloc (09022015). Collection method: clinical testing. Allele origin: germline.
Comment: This sequence change replaces arginine, which is basic and polar, with cysteine, which is neutral and slightly polar, at codon 305 of the KRT17 protein (p.Arg305Cys). This variant is present in population databases (rs375243255, gnomAD 0.04%), and has an allele count higher than expected for a pathogenic variant. This variant has not been reported in the literature in individuals affected with KRT17-related conditions. Invitae Evidence Modeling of protein sequence and biophysical properties (such as structural, functional, and spatial information, amino acid conservation, physicochemical variation, residue mobility, and thermodynamic stability) has been performed for this missense variant. However, the output from this modeling did not meet the statistical confidence thresholds required to predict the impact of this variant on KRT17 protein function. In summary, the available evidence is currently insufficient to determine the role of this variant in disease. Therefore, it has been classified as a Variant of Uncertain Significance.

NM_000422.3(KRT17):c.913C>T (p.Arg305Cys)

Gene: KRT17 (keratin 17; minus strand). Cytogenetic location: 17q21.2.
Variant type: single nucleotide variant.
Coding change: c.913C>T on transcript NM_000422.3 (MANE Select); coding-DNA position 913, C replaced by T.
Protein change: p.Arg305Cys; replaces arginine 305 with cysteine.
Molecular consequence: missense variant.
Genome position (GRCh38, 1-based): chr17:41,621,013, G>A on the plus strand (C>T on the coding strand, the complement: KRT17 is on the minus strand). VCF-style: chr17-41621013-G-A. GRCh37 (hg19) VCF-style: chr17-39777265-G-A.
Other names: short protein forms R305C.
Identifiers: ClinVar variation 3715570 (VCV003715570.2).